The following is an entry in ClinVar:

NC_000005.10:g.112707476C>A

Gene: APC (APC regulator of Wnt signaling pathway; plus strand). Cytogenetic location: 5q22.2.
Variant type: single nucleotide variant.
Genome position: GRCh38 VCF-style: chr5-112707476-C-A. GRCh37 (hg19) VCF-style: chr5-112043173-C-A.
Identifiers: ClinVar variation 3721767 (VCV003721767.2).

ClinVar aggregate classification (germline): Uncertain significance (1 of 4 stars; one submission).

Conditions:
Familial adenomatous polyposis 1 (FAP1). Also called: FAMILIAL ADENOMATOUS POLYPOSIS 1, ATTENUATED; POLYPOSIS, ADENOMATOUS INTESTINAL. Identifiers: MedGen C2713442, MONDO:0021056, OMIM 175100. Disease mechanism: loss of function.

Submission:

Labcorp Genetics (formerly Invitae), Labcorp
Classification: Uncertain significance for Familial adenomatous polyposis 1. Last evaluated: 2024-09-29. Review status: criteria provided, single submitter. Criteria: Invitae Variant Classification Sherloc (09022015). Collection method: clinical testing. Allele origin: germline.
Comment: This variant occurs in a non-coding region of the APC gene. It does not change the encoded amino acid sequence of the APC protein. This variant is not present in population databases (gnomAD no frequency). This variant has not been reported in the literature in individuals affected with APC-related conditions. Experimental studies and prediction algorithms are not available or were not evaluated, and the functional significance of this variant is currently unknown. In summary, the available evidence is currently insufficient to determine the role of this variant in disease. Therefore, it has been classified as a Variant of Uncertain Significance.